The following is an entry in ClinVar:

NM_002519.3(NPAT):c.952C>G (p.Gln318Glu)

Gene: NPAT (nuclear protein, coactivator of histone transcription; minus strand). Cytogenetic location: 11q22.3.
Variant type: single nucleotide variant.
Coding change: c.952C>G on transcript NM_002519.3 (MANE Select); coding-DNA position 952, C replaced by G.
Protein change: p.Gln318Glu; replaces glutamine 318 with glutamic acid.
Molecular consequence: missense variant.
Genome position (GRCh38, 1-based): chr11:108,177,045, G>C on the plus strand (C>G on the coding strand, the complement: NPAT is on the minus strand). VCF-style: chr11-108177045-G-C. GRCh37 (hg19) VCF-style: chr11-108047772-G-C.
Other names: c.952C>G, p.Gln318Glu (NM_001321307.1); short protein forms Q318E.
Identifiers: ClinVar variation 3222655 (VCV003222655.1), dbSNP rs2496727261, ClinGen allele CA382517283.
Genomic context (GRCh38, chr11:108,177,045, plus strand): 5'-TCTCCTTACCATAGTCAAAGAGATCAAAGAGTGCCTGAAATGCTGGGTCTGATTCTGTCT[G>C]TTCCAATATGTCCTGTATAGCTTCTTCAGACATGTGAATTTCACTCTGCAAGAAAGGAGT-3'
Protein context (NP_002510.2, residues 308-328): SEEAIQDILE[Gln318Glu]TESDPAFQAL

ClinVar aggregate classification (germline): Uncertain significance (1 of 4 stars; one submission).

gnomAD v4.1: 2 of 1,613,396 alleles (0.00012%); highest among the groups gnomAD compares: Non-Finnish European, 0.00017%; no homozygotes.

Submission:

Ambry Genetics
Classification: Uncertain significance. Last evaluated: 2023-12-30. Review status: criteria provided, single submitter. Criteria: Ambry Variant Classification Scheme 2023. Collection method: clinical testing. Allele origin: germline.
Comment: The p.Q318E variant (also known as c.952C>G), located in coding exon 11 of the NPAT gene, results from a C to G substitution at nucleotide position 952. The glutamine at codon 318 is replaced by glutamic acid, an amino acid with highly similar properties. This amino acid position is conserved. In addition, this alteration is predicted to be tolerated by in silico analysis. Since supporting evidence is limited at this time, the clinical significance of this alteration remains unclear.